The following is an entry in ClinVar:

ClinVar aggregate classification (germline): Uncertain significance (1 of 4 stars; one submission).

Conditions:
Hereditary cancer-predisposing syndrome. Also called: Tumor predisposition; Neoplastic Syndromes, Hereditary; Hereditary Cancer Syndrome; Hereditary neoplastic syndrome. Identifiers: Orphanet 140162, MedGen C0027672, MeSH D009386, MONDO:0015356.

Submission:

Ambry Genetics
Classification: Uncertain significance for Hereditary cancer-predisposing syndrome. Last evaluated: 2024-10-11. Review status: criteria provided, single submitter. Criteria: Ambry Variant Classification Scheme 2023. Collection method: clinical testing. Allele origin: germline.
Comment: The p.S1748T variant (also known as c.5243G>C), located in coding exon 10 of the BRCA2 gene, results from a G to C substitution at nucleotide position 5243. The serine at codon 1748 is replaced by threonine, an amino acid with similar properties. This amino acid position is conserved. In addition, this alteration is predicted to be tolerated by in silico analysis. Based on the available evidence, the clinical significance of this variant remains unclear.

NM_000059.4(BRCA2):c.5243G>C (p.Ser1748Thr)

Gene: BRCA2 (BRCA2 DNA repair associated; plus strand). Cytogenetic location: 13q13.1.
Variant type: single nucleotide variant.
Coding change: c.5243G>C on transcript NM_000059.4 (MANE Select); coding-DNA position 5243, G replaced by C.
Protein change: p.Ser1748Thr; replaces serine 1748 with threonine.
Molecular consequence: missense variant. On other transcripts: non-coding transcript variant (1), intron variant (2).
Genome position (GRCh38, 1-based): chr13:32,339,598, G>C. VCF-style: chr13-32339598-G-C. GRCh37 (hg19) VCF-style: chr13-32913735-G-C.
Other names: c.5243G>C, p.Ser1748Thr (NM_001406719.1, NM_001406720.1, NM_001432077.1); c.1910-4960G>C (NM_001406721.1); c.425-4960G>C (NM_001406722.1); short protein forms S1748T.
Identifiers: ClinVar variation 3482130 (VCV003482130.1).
Genomic context (GRCh38, chr13:32,339,598, plus strand): 5'-ACAAAAATCATCTCTCCGAAAAACAAGATACTTATTTAAGTAACAGTAGCATGTCTAACA[G>C]CTATTCCTACCATTCTGATGAGGTATATAATGATTCAGGATATCTCTCAAAAAATAAACT-3'
Protein context (NP_000050.3, residues 1738-1758): TYLSNSSMSN[Ser1748Thr]YSYHSDEVYN